The following is an entry in ClinVar:

ClinVar aggregate classification (germline): Likely benign. Review status: criteria provided, multiple submitters, no conflicts (2 of 4 stars). 2 submissions from 2 submitters: Likely benign (2). Last evaluated 2025-09-03.

Conditions:
BBS9-related disorder. Also called: BBS9-related condition.
Bardet-Biedl syndrome (BBS). Identifiers: Orphanet 110, MedGen C0752166, MONDO:0015229.

Allele frequency attached by ClinVar (database versions not stated): gnomAD exomes below 0.00001.
gnomAD v4.1: 2 of 1,613,632 alleles (0.00012%); highest among the groups gnomAD compares: Admixed American, 0.0017%; no homozygotes.

Submissions (2):

PreventionGenetics, part of Exact Sciences
Classification: Likely benign for BBS9-related condition. Last evaluated: 2025-09-03. Review status: criteria provided, single submitter. Criteria: ACMG Guidelines, 2015. Collection method: clinical testing. Allele origin: germline.
Comment: This variant is classified as likely benign based on ACMG/AMP sequence variant interpretation guidelines (Richards et al. 2015 PMID: 25741868, with internal and published modifications).

Labcorp Genetics (formerly Invitae), Labcorp
Classification: Likely benign for Bardet-Biedl syndrome. Last evaluated: 2024-12-23. Review status: criteria provided, single submitter. Criteria: Invitae Variant Classification Sherloc (09022015). Collection method: clinical testing. Allele origin: germline.

NM_198428.3(BBS9):c.402A>G (p.Thr134=)

Gene: BBS9 (Bardet-Biedl syndrome 9; plus strand). Cytogenetic location: 7p14.3.
Variant type: single nucleotide variant.
Coding change: c.402A>G on transcript NM_198428.3 (MANE Select); coding-DNA position 402, A replaced by G.
Protein change: p.Thr134=; no amino-acid change (threonine 134 retained).
Molecular consequence: synonymous variant. On other transcripts: non-coding transcript variant (3).
Genome position (GRCh38, 1-based): chr7:33,177,551, A>G. VCF-style: chr7-33177551-A-G. GRCh37 (hg19) VCF-style: chr7-33217163-A-G.
Other names: c.402A>G, p.Thr134= (NM_001033604.2, NM_001033605.2, NM_001348036.1 and 5 more transcripts); c.36A>G, p.Thr12= (NM_001348037.3, NM_001348044.3, NM_001348045.3 and 1 more transcripts); c.129A>G, p.Thr43= (NM_001348038.3, NM_001348039.3); c.267A>G, p.Thr89= (NM_001348042.3); c.402A>G (NM_198428.2).
Identifiers: ClinVar variation 1132504 (VCV001132504.10), dbSNP rs2128163033, ClinGen allele CA454452159.